The following is an entry in ClinVar:

NM_000081.4(LYST):c.8033C>G (p.Thr2678Ser)

Gene: LYST (lysosomal trafficking regulator; minus strand). Cytogenetic location: 1q42.3.
Variant type: single nucleotide variant.
Coding change: c.8033C>G on transcript NM_000081.4 (MANE Select); coding-DNA position 8033, C replaced by G.
Protein change: p.Thr2678Ser; replaces threonine 2678 with serine.
Molecular consequence: missense variant.
Genome position (GRCh38, 1-based): chr1:235,744,097, G>C on the plus strand (C>G on the coding strand, the complement: LYST is on the minus strand). VCF-style: chr1-235744097-G-C. GRCh37 (hg19) VCF-style: chr1-235907397-G-C.
Other names: c.8033C>G, p.Thr2678Ser (NM_001301365.1); short protein forms T2678S.
Identifiers: ClinVar variation 2640099 (VCV002640099.24), dbSNP rs761537042, ClinGen allele CA344925041.
Genomic context (GRCh38, chr1:235,744,097, plus strand): 5'-AAAACAGAAGACTGTTCATGATGAATATTTTCCTCAGAAATTTCGGTCTGGAAAACTGAG[G>C]TCTTGCTTTGAGTTACATTTTCTGGAGTTCTCAAAATGTCAATAATGTCTGAATTAAATT-3'
Protein context (NP_000072.2, residues 2668-2688): RTPENVTQSK[Thr2678Ser]SVFQTEISEE

ClinVar aggregate classification (germline): Uncertain significance (1 of 4 stars; one submission).

Submission:

CeGaT Center for Human Genetics Tuebingen
Classification: Uncertain significance. Last evaluated: 2022-08-01. Review status: criteria provided, single submitter. Criteria: CeGaT Center For Human Genetics Tuebingen Variant Classification Criteria Version 2. Collection method: clinical testing. Allele origin: germline. Affected: yes. Observed: 1 variant allele.
Comment: LYST: PM2, BP4